The following is an entry in ClinVar:

NM_005591.4(MRE11):c.1501G>T (p.Val501Leu)

Gene: MRE11 (MRE11 double strand break repair nuclease; minus strand). Cytogenetic location: 11q21.
Variant type: single nucleotide variant.
Coding change: c.1501G>T on transcript NM_005591.4 (MANE Select); coding-DNA position 1501, G replaced by T.
Protein change: p.Val501Leu; replaces valine 501 with leucine.
Molecular consequence: missense variant. On other transcripts: intron variant (6).
Genome position (GRCh38, 1-based): chr11:94,456,338, C>A on the plus strand (G>T on the coding strand, the complement: MRE11 is on the minus strand). VCF-style: chr11-94456338-C-A. GRCh37 (hg19) VCF-style: chr11-94189504-C-A.
Other names: c.1500+3070G>T (NM_001440469.1, NM_001440467.1, NM_001440481.1 and 2 more transcripts); c.1425+3070G>T (NM_001440479.1); c.1501G>T, p.Val501Leu (NM_001330347.2, NM_001440460.1, NM_001440461.1 and 10 more transcripts); c.1426G>T, p.Val476Leu (NM_001440471.1, NM_001440472.1); c.1420G>T, p.Val474Leu (NM_001440473.1, NM_001440477.1, NM_001440478.1); c.1033G>T, p.Val345Leu (NM_001440486.1, NM_001440487.1, NM_001440485.1); c.1156G>T, p.Val386Leu (NM_001440482.1, NM_001440483.1, NM_001440484.1); short protein forms V476L, V474L, V501L, V345L, V386L.
Identifiers: ClinVar variation 4110073 (VCV004110073.1).

ClinVar aggregate classification (germline): Uncertain significance (1 of 4 stars; one submission).

Conditions:
Hereditary cancer-predisposing syndrome. Also called: Tumor predisposition; Neoplastic Syndromes, Hereditary; Hereditary neoplastic syndrome; Hereditary Cancer Syndrome. Identifiers: Orphanet 140162, MedGen C0027672, MeSH D009386, MONDO:0015356.

Submission:

Ambry Genetics
Classification: Uncertain significance for Hereditary cancer-predisposing syndrome. Last evaluated: 2025-06-22. Review status: criteria provided, single submitter. Criteria: Ambry Variant Classification Scheme 2023. Collection method: clinical testing. Allele origin: germline.
Comment: The p.V501L variant (also known as c.1501G>T) is located in coding exon 13 of the MRE11A gene. The valine at codon 501 is replaced by leucine, an amino acid with highly similar properties. This change occurs in the first base pair of coding exon 13. This amino acid position is conserved. In addition, the in silico prediction for this alteration is inconclusive. Based on the available evidence, the clinical significance of this variant remains unclear.